The following is an entry in ClinVar:

NM_032638.5(GATA2):c.212C>A (p.Ser71Tyr)

Gene: GATA2 (GATA binding protein 2; minus strand). Cytogenetic location: 3q21.3.
Variant type: single nucleotide variant.
Coding change: c.212C>A on transcript NM_032638.5 (MANE Select); coding-DNA position 212, C replaced by A.
Protein change: p.Ser71Tyr; replaces serine 71 with tyrosine.
Molecular consequence: missense variant.
Genome position (GRCh38, 1-based): chr3:128,486,820, G>T on the plus strand (C>A on the coding strand, the complement: GATA2 is on the minus strand). VCF-style: chr3-128486820-G-T. GRCh37 (hg19) VCF-style: chr3-128205663-G-T.
Other names: c.212C>A, p.Ser71Tyr (NM_001145661.2, NM_001145662.1); short protein forms S71Y.
Identifiers: ClinVar variation 4857879 (VCV004857879.1).

ClinVar aggregate classification (germline): Uncertain significance (1 of 4 stars; one submission).

Conditions:
Inborn genetic diseases. Identifiers: MedGen C0950123, MeSH D030342.

Submission:

Ambry Genetics
Classification: Uncertain significance for Inborn genetic diseases. Last evaluated: 2026-05-27. Review status: criteria provided, single submitter. Criteria: Ambry Variant Classification Scheme 2023. Collection method: clinical testing. Allele origin: germline.
Comment: The p.S71Y variant (also known as c.212C>A), located in coding exon 1 of the GATA2 gene, results from a C to A substitution at nucleotide position 212. The serine at codon 71 is replaced by tyrosine, an amino acid with dissimilar properties. This amino acid position is conserved. In addition, the in silico prediction for this alteration is inconclusive. Based on the available evidence, the clinical significance of this variant remains unclear.